The following is an entry in ClinVar:

NM_138694.4(PKHD1):c.10252G>C (p.Ala3418Pro)

Gene: PKHD1 (PKHD1 ciliary IPT domain containing fibrocystin/polyductin; minus strand). Cytogenetic location: 6p12.3.
Variant type: single nucleotide variant.
Coding change: c.10252G>C on transcript NM_138694.4 (MANE Select); coding-DNA position 10252, G replaced by C.
Protein change: p.Ala3418Pro; replaces alanine 3418 with proline.
Molecular consequence: missense variant.
Genome position (GRCh38, 1-based): chr6:51,659,874, C>G on the plus strand (G>C on the coding strand, the complement: PKHD1 is on the minus strand). VCF-style: chr6-51659874-C-G. GRCh37 (hg19) VCF-style: chr6-51524672-C-G.
Other names: short protein forms A3418P.
Identifiers: ClinVar variation 1417258 (VCV001417258.5), dbSNP rs776589273, ClinGen allele CA364436950.

ClinVar aggregate classification (germline): Uncertain significance (1 of 4 stars; one submission).

Conditions:
Autosomal recessive polycystic kidney disease (ARPKD). Also called: AR polycystic kidney disease. Identifiers: Orphanet 731, Orphanet 8378, MedGen C0085548, MeSH D017044, MONDO:0009889.

gnomAD v4.1: 3 of 1,613,362 alleles (0.00019%); highest among the groups gnomAD compares: Non-Finnish European, 0.00025%; no homozygotes.

Submission:

Labcorp Genetics (formerly Invitae), Labcorp
Classification: Uncertain significance for Autosomal recessive polycystic kidney disease. Last evaluated: 2022-07-26. Review status: criteria provided, single submitter. Criteria: Invitae Variant Classification Sherloc (09022015). Collection method: clinical testing. Allele origin: germline.
Comment: This sequence change replaces alanine, which is neutral and non-polar, with proline, which is neutral and non-polar, at codon 3418 of the PKHD1 protein (p.Ala3418Pro). This variant is not present in population databases (gnomAD no frequency). This variant has not been reported in the literature in individuals affected with PKHD1-related conditions. ClinVar contains an entry for this variant (Variation ID: 1417258). Advanced modeling of protein sequence and biophysical properties (such as structural, functional, and spatial information, amino acid conservation, physicochemical variation, residue mobility, and thermodynamic stability) performed at Invitae indicates that this missense variant is not expected to disrupt PKHD1 protein function. In summary, the available evidence is currently insufficient to determine the role of this variant in disease. Therefore, it has been classified as a Variant of Uncertain Significance.